The following is an entry in ClinVar:

NM_004371.4(COPA):c.2680A>G (p.Ile894Val)

Gene: COPA (coat protein complex I subunit alpha; minus strand). Cytogenetic location: 1q23.2.
Variant type: single nucleotide variant.
Coding change: c.2680A>G on transcript NM_004371.4 (MANE Select); coding-DNA position 2680, A replaced by G.
Protein change: p.Ile894Val; replaces isoleucine 894 with valine.
Molecular consequence: missense variant.
Genome position (GRCh38, 1-based): chr1:160,293,460, T>C on the plus strand (A>G on the coding strand, the complement: COPA is on the minus strand). VCF-style: chr1-160293460-T-C. GRCh37 (hg19) VCF-style: chr1-160263250-T-C.
Other names: c.2707A>G, p.Ile903Val (NM_001098398.2); short protein forms I903V, I894V.
Identifiers: ClinVar variation 1029832 (VCV001029832.1), dbSNP rs1370641046, ClinGen allele CA343275136.

ClinVar aggregate classification (germline): Uncertain significance (1 of 4 stars; one submission).

Conditions:
Autoimmune interstitial lung disease-arthritis syndrome. Also called: Autoinflammation and autoimmunity, systemic, with immune dysregulation. Identifiers: Orphanet 444092, MedGen C5975714, MONDO:0014629.

Submission:

Baylor Genetics
Classification: Uncertain significance for Autoinflammation and autoimmunity with immune dysregulation 1. Last evaluated: 2020-04-27. Review status: criteria provided, single submitter. Criteria: ACMG Guidelines, 2015. Collection method: clinical testing. Allele origin: de novo. Affected: yes.
Comment: This variant was determined to be of uncertain significance according to ACMG Guidelines, 2015 [PMID:25741868].